The following is an entry in ClinVar:

ClinVar aggregate classification (germline): Conflicting classifications of pathogenicity. Review status: criteria provided, conflicting classifications (1 of 4 stars). 5 submissions from 3 submitters: Uncertain significance (4); Likely benign (1). Last evaluated 2025-09-30.

Conditions:
Complement component 3 deficiency. Identifiers: Orphanet 280133, MedGen C3151071, MONDO:0013417, OMIM 613779.
C3 glomerulonephritis. Also called: C3 GLOMERULOPATHY 3; Nephropathy due to CFHR5 Deficiency. Identifiers: Orphanet 329931, MedGen C4055342, MONDO:0013892, OMIM 614809.
Age related macular degeneration 9. Identifiers: MedGen C1969651, MONDO:0012659, OMIM 611378.
Atypical hemolytic-uremic syndrome with C3 anomaly. Also called: AHUS, SUSCEPTIBILITY TO, 5. Identifiers: Orphanet 2134, MedGen C2752037, MONDO:0013043, OMIM 612925.

Allele frequency attached by ClinVar (database versions not stated): gnomAD exomes 0.00005 and 0.00011; ExAC 0.00006; TOPMed 0.00008; gnomAD 0.00012.
gnomAD v4.1: 97 of 1,613,146 alleles (0.006%); highest among the groups gnomAD compares: East Asian, 0.0089%; no homozygotes.

Submissions (5):

Genomenon, Inc
Classification: Uncertain significance for C3 glomerulonephritis. Last evaluated: 2025-09-30. Review status: criteria provided, single submitter. Criteria: Genomenon Sequence Variant Interpretation Standards. Collection method: curation. Allele origin: germline. Affected: yes.
Comment: C3 p.Tyr227= (c.681C>T) is a synonymous variant that retains Tyrosine at residue 227. This variant has been observed in at least one proband affected with C3 glomerulonephritis (PMID:38344720). It is absent or not present at a significant frequency in gnomAD. In conclusion, we classify C3 p.Tyr227= (c.681C>T) as a variant of unknown significance.

Labcorp Genetics (formerly Invitae), Labcorp
Classification: Uncertain significance. Last evaluated: 2025-09-29. Review status: criteria provided, single submitter. Criteria: Invitae Variant Classification Sherloc (09022015). Collection method: clinical testing. Allele origin: germline.
Comment: This sequence change affects codon 227 of the C3 mRNA. It is a 'silent' change, meaning that it does not change the encoded amino acid sequence of the C3 protein. It affects a nucleotide within the consensus splice site. This variant is present in population databases (rs756694755, gnomAD 0.2%). This variant has not been reported in the literature in individuals affected with C3-related conditions. ClinVar contains an entry for this variant (Variation ID: 330337). Algorithms developed to predict the effect of sequence changes on RNA splicing suggest that this variant may create or strengthen a splice site. In summary, the available evidence is currently insufficient to determine the role of this variant in disease. Therefore, it has been classified as a Variant of Uncertain Significance.

Illumina Laboratory Services, Illumina
Classification: Uncertain significance for Age related macular degeneration 9. Last evaluated: 2018-01-13. Review status: criteria provided, single submitter. Criteria: ICSL Variant Classification Criteria 13 December 2019. Collection method: clinical testing. Allele origin: germline.

Illumina Laboratory Services, Illumina
Classification: Uncertain significance for Complement component 3 deficiency. Last evaluated: 2018-01-13. Review status: criteria provided, single submitter. Criteria: ICSL Variant Classification Criteria 13 December 2019. Collection method: clinical testing. Allele origin: germline.

Illumina Laboratory Services, Illumina
Classification: Likely benign for Atypical hemolytic-uremic syndrome with C3 anomaly. Last evaluated: 2018-01-13. Review status: criteria provided, single submitter. Criteria: ICSL Variant Classification Criteria 13 December 2019. Collection method: clinical testing. Allele origin: germline.
Comment: This variant was observed in the ICSL laboratory as part of a predisposition screen in an ostensibly healthy population. It had not been previously curated by ICSL or reported in the Human Gene Mutation Database (HGMD: prior to June 1st, 2018), and was therefore a candidate for classification through an automated scoring system. Utilizing variant allele frequency, disease prevalence and penetrance estimates, and inheritance mode, an automated score was calculated to assess if this variant is too frequent to cause the disease. Based on the score and internal cut-off values, a variant classified as likely benign is not then subjected to further curation. The score for this variant resulted in a classification of likely benign for this disease.

Literature cited by the submitters: PubMed 38344720 (cited by Genomenon, Inc).

NM_000064.4(C3):c.681C>T (p.Tyr227=)

Gene: C3 (complement C3; minus strand). Cytogenetic location: 19p13.3.
Variant type: single nucleotide variant.
Coding change: c.681C>T on transcript NM_000064.4 (MANE Select); coding-DNA position 681, C replaced by T.
Protein change: p.Tyr227=; no amino-acid change (tyrosine 227 retained).
Molecular consequence: synonymous variant.
Genome position (GRCh38, 1-based): chr19:6,714,167, G>A on the plus strand (C>T on the coding strand, the complement: C3 is on the minus strand). VCF-style: chr19-6714167-G-A. GRCh37 (hg19) VCF-style: chr19-6714178-G-A.
Other names: c.681C>T (LRG_27t1).
Identifiers: ClinVar variation 330337 (VCV000330337.12), dbSNP rs756694755, ClinGen allele CA9129737.